The following is an entry in ClinVar:

ClinVar aggregate classification (germline): Pathogenic (1 of 4 stars; one submission).

Conditions:
Familial juvenile hyperuricemic nephropathy type 1 (ADTKD1). Also called: Autosomal Dominant Tubulointerstitial Kidney Disease – UMOD; Glomerulocystic kidney disease with hyperuricemia and isosthenuria; Medullary cystic kidney disease 2; UMOD-Associated Kidney Disease; Uromodulin-associated kidney disease. Identifiers: Orphanet 209886, Orphanet 34149, Orphanet 88950, MedGen C4551496, MONDO:0008073, OMIM 162000.

Submission:

Mendelics
Classification: Pathogenic for Familial juvenile hyperuricemic nephropathy type 1. Last evaluated: 2026-03-05. Review status: criteria provided, single submitter. Criteria: ACMG Guidelines, 2015. Collection method: clinical testing. Allele origin: unknown.
Comment: Likely pathogenic/Pathogenic according to ACMG criteria.

NM_003361.4(UMOD):c.163G>A (p.Gly55Ser)

Gene: UMOD (uromodulin; minus strand). Cytogenetic location: 16p12.3.
Variant type: single nucleotide variant.
Coding change: c.163G>A on transcript NM_003361.4 (MANE Select); coding-DNA position 163, G replaced by A.
Protein change: p.Gly55Ser; replaces glycine 55 with serine.
Molecular consequence: missense variant. On other transcripts: non-coding transcript variant (1).
Genome position (GRCh38, 1-based): chr16:20,349,138, C>T on the plus strand (G>A on the coding strand, the complement: UMOD is on the minus strand). VCF-style: chr16-20349138-C-T. GRCh37 (hg19) VCF-style: chr16-20360460-C-T.
Other names: c.163G>A, p.Gly55Ser (NM_001008389.3, NM_001378232.1, NM_001378233.1 and 3 more transcripts); c.262G>A, p.Gly88Ser (NM_001278614.2); short protein forms G55S, G88S.
Identifiers: ClinVar variation 4813580 (VCV004813580.1).